The following is an entry in ClinVar:

NM_000719.7(CACNA1C):c.1341C>G (p.Ile447Met)

Gene: CACNA1C (calcium voltage-gated channel subunit alpha1 C; plus strand). Cytogenetic location: 12p13.33.
Variant type: single nucleotide variant.
Coding change: c.1341C>G on transcript NM_000719.7 (MANE Select); coding-DNA position 1341, C replaced by G.
Protein change: p.Ile447Met; replaces isoleucine 447 with methionine.
Molecular consequence: missense variant.
Genome position (GRCh38, 1-based): chr12:2,512,935, C>G. VCF-style: chr12-2512935-C-G. GRCh37 (hg19) VCF-style: chr12-2622101-C-G.
Other names: c.1341C>G, p.Ile447Met (NM_001129827.2, NM_001129829.2, NM_001129830.3 and 18 more transcripts); c.1332C>G, p.Ile444Met (NM_001129844.2); short protein forms I444M, I447M.
Identifiers: ClinVar variation 4691087 (VCV004691087.1).
Genomic context (GRCh38, chr12:2,512,935, plus strand): 5'-GCAGCAGCTAGAAGAGGATCTCAAAGGCTACCTGGATTGGATCACTCAGGCCGAAGACAT[C>G]GATCCTGAGAATGAGGACGAAGGCATGGATGAGGAGAAGCCCCGAAACAGTGAGCAGCCG-3'
Protein context (NP_000710.5, residues 437-457): YLDWITQAED[Ile447Met]DPENEDEGMD

ClinVar aggregate classification (germline): Uncertain significance (1 of 4 stars; one submission).

Conditions:
Long QT syndrome (LQTS). Identifiers: MedGen C0023976, MeSH D008133, MONDO:0002442. Disease mechanism: loss of function. Inheritance: Various modes of inheritance.

Submission:

Labcorp Genetics (formerly Invitae), Labcorp
Classification: Uncertain significance for Long QT syndrome. Last evaluated: 2026-01-28. Review status: criteria provided, single submitter. Criteria: Invitae Variant Classification Sherloc (09022015). Collection method: clinical testing. Allele origin: germline.
Comment: This sequence change replaces isoleucine, which is neutral and non-polar, with methionine, which is neutral and non-polar, at codon 447 of the CACNA1C protein (p.Ile447Met). This variant is not present in population databases (gnomAD no frequency). This variant has not been reported in the literature in individuals affected with CACNA1C-related conditions. Invitae Evidence Modeling of protein sequence and biophysical properties (such as structural, functional, and spatial information, amino acid conservation, physicochemical variation, residue mobility, and thermodynamic stability) indicates that this missense variant is not expected to disrupt CACNA1C protein function with a negative predictive value of 95%. In summary, the available evidence is currently insufficient to determine the role of this variant in disease. Therefore, it has been classified as a Variant of Uncertain Significance.